The following is an entry in ClinVar:

NM_001256007.3(PNPLA8):c.1459A>T (p.Ile487Leu)

Gene: PNPLA8 (patatin like domain 8, phospholipase A2; minus strand). Cytogenetic location: 7q31.1.
Variant type: single nucleotide variant.
Coding change: c.1459A>T on transcript NM_001256007.3 (MANE Select); coding-DNA position 1459, A replaced by T.
Protein change: p.Ile487Leu; replaces isoleucine 487 with leucine.
Molecular consequence: missense variant.
Genome position (GRCh38, 1-based): chr7:108,496,750, T>A on the plus strand (A>T on the coding strand, the complement: PNPLA8 is on the minus strand). VCF-style: chr7-108496750-T-A. GRCh37 (hg19) VCF-style: chr7-108137194-T-A.
Other names: c.1459A>T, p.Ile487Leu (NM_001256008.3, NM_001256009.3, NM_015723.5); c.1159A>T, p.Ile387Leu (NM_001256010.3, NM_001256011.3); short protein forms I487L, I387L.
Identifiers: ClinVar variation 2092410 (VCV002092410.3), dbSNP rs376656732, ClinGen allele CA4439551.

ClinVar aggregate classification (germline): Uncertain significance (1 of 4 stars; one submission).

gnomAD v4.1: 1 of 1,608,118 alleles (0.000062%); highest among the groups gnomAD compares: Admixed American, 0.0017%; no homozygotes.

Submission:

Labcorp Genetics (formerly Invitae), Labcorp
Classification: Uncertain significance. Last evaluated: 2022-08-02. Review status: criteria provided, single submitter. Criteria: Invitae Variant Classification Sherloc (09022015). Collection method: clinical testing. Allele origin: germline.
Comment: This variant has not been reported in the literature in individuals affected with PNPLA8-related conditions. In summary, the available evidence is currently insufficient to determine the role of this variant in disease. Therefore, it has been classified as a Variant of Uncertain Significance. Algorithms developed to predict the effect of missense changes on protein structure and function are either unavailable or do not agree on the potential impact of this missense change (SIFT: "Deleterious"; PolyPhen-2: "Benign"; Align-GVGD: "Class C0"). This variant is present in population databases (rs376656732, gnomAD 0.003%). This sequence change replaces isoleucine, which is neutral and non-polar, with leucine, which is neutral and non-polar, at codon 487 of the PNPLA8 protein (p.Ile487Leu).